The following is an entry in ClinVar:

ClinVar aggregate classification (germline): Conflicting classifications of pathogenicity. Review status: criteria provided, conflicting classifications (1 of 4 stars). 11 submissions from 9 submitters: Uncertain significance (4); Benign (2); Likely benign (3). 2 of the submissions do not count toward it. Last evaluated 2026-08-31.

Conditions:
Cutaneous mastocytosis. Also called: MASTOCYTOSIS, MACULOPAPULAR CUTANEOUS. Identifiers: Orphanet 66646, MedGen C1136033, MONDO:0019023, OMIM 154800, HP:0200151.
Acute myeloid leukemia (AML). Also called: Leukemia, acute myelogenous, somatic; Leukemia, acute myeloid, somatic; Acute myeloid leukemia, adult; AML adult; Acute non-lymphocytic leukemia; Acute granulocytic leukemia. Identifiers: Orphanet 519, MedGen C0023467, MeSH D015470, MONDO:0018874, OMIM 601626, HP:0004808. Disease mechanism: Constitutively activated FLT3.
Piebaldism. Also called: Piebald skin depigmentation. Identifiers: Orphanet 2884, MedGen C0080024, MONDO:0008244, OMIM 172800, HP:0007544.
Germ cell tumor of testis (TGCT). Also called: Testicular germ cell tumor; GERM CELL TUMOR, SOMATIC. Identifiers: Orphanet 363504, MedGen C1336708, MONDO:0010108, OMIM 273300.
Gastrointestinal stromal tumor. Also called: Gastrointestinal stromal tumor, somatic; Gastrointestinal stroma tumor. Identifiers: Orphanet 44890, MedGen C0238198, MeSH D046152, MONDO:0011719, OMIM 606764, HP:0100723.
KIT-related disorder. Also called: KIT-related condition.
Hereditary cancer-predisposing syndrome. Also called: Neoplastic Syndromes, Hereditary; Hereditary neoplastic syndrome; Hereditary Cancer Syndrome; Tumor predisposition. Identifiers: Orphanet 140162, MedGen C0027672, MeSH D009386, MONDO:0015356.
Ovarian cancer. Also called: OVARIAN CANCER, SOMATIC. Identifiers: Orphanet 213500, MedGen C1140680, MONDO:0008170, OMIM 167000.
Mastocytosis. Also called: Mast Cell Disease. Identifiers: Orphanet 98292, MedGen C0024899, MONDO:0007950, HP:0100495.

Allele frequency attached by ClinVar (database versions not stated): gnomAD 0.00006 and 0.00009; gnomAD exomes 0.00014 and 0.00021; 1000 Genomes Project 30x 0.00016; ExAC 0.00020; 1000 Genomes Project 0.00020; TOPMed 0.00008.
gnomAD v4.1: 219 of 1,613,514 alleles (0.014%); highest among the groups gnomAD compares: East Asian, 0.47%; no homozygotes.

Submissions (11):

PreventionGenetics, part of Exact Sciences
Classification: Likely benign for KIT-related condition. Last evaluated: 2026-08-31. Review status: criteria provided, single submitter. Criteria: ACMG Guidelines, 2015. Collection method: clinical testing. Allele origin: germline.
Comment: This variant is classified as likely benign based on ACMG/AMP sequence variant interpretation guidelines (Richards et al. 2015 PMID: 25741868, with internal and published modifications).

Labcorp Genetics (formerly Invitae), Labcorp
Classification: Likely benign for Gastrointestinal stromal tumor. Last evaluated: 2026-01-25. Review status: criteria provided, single submitter. Criteria: Invitae Variant Classification Sherloc (09022015). Collection method: clinical testing. Allele origin: germline.

Ambry Genetics
Classification: Benign for Hereditary cancer-predisposing syndrome. Last evaluated: 2024-08-20. Review status: criteria provided, single submitter. Criteria: Ambry Variant Classification Scheme 2023. Collection method: clinical testing. Allele origin: germline.

St. Jude Molecular Pathology, St. Jude Children's Research Hospital
Classification: Uncertain significance for Gastrointestinal stromal tumor. Last evaluated: 2022-07-05. Review status: criteria provided, single submitter. Criteria: St. Jude Assertion Criteria 2020. Collection method: clinical testing. Allele origin: germline.
Comment: The KIT c.910A>G (p.Thr304Ala) missense change has a maximum frequency of 0.28% in gnomAD v2.1.1. The in silico tool REVEL is inconclusive about a pathogenic or benign effect of this variant on protein function, and to our knowledge functional studies have not been performed. This variant has been reported in an individual with piebaldism who harbored a second missense variant in KIT however it was not known if the variants were on the same or opposite alleles (PMID: 25176472). To our knowledge, this variant has not been reported in individuals with gastrointestinal stromal tumor. In summary, the evidence currently available is insufficient to determine the clinical significance of this variant. It has therefore been classified as of uncertain significance.

Sema4
Classification: Uncertain significance for Hereditary cancer-predisposing syndrome. Last evaluated: 2021-05-18. Review status: criteria provided, single submitter. Criteria: Sema4 Curation Guidelines. Collection method: curation. Allele origin: germline.
Comment: The KIT c.910A>G (p.T304A) variant has not been reported in individuals with KIT-related cancer to our knowledge. This variant was observed in 56/19954 chromosomes in the East Asian population, with no homozygotes, according to the Genome Aggregation Database (PMID: 32461654) and has been reported in ClinVar (Variation ID: 41606). In silico tools suggest the impact of the variant on protein function is inconclusive, though these predictions have not been confirmed by functional studies. Based on the current evidence available, this variant is interpreted as a variant of uncertain significance.

Illumina Laboratory Services, Illumina
Classification: Uncertain significance for Piebaldism. Last evaluated: 2018-01-12. Review status: criteria provided, single submitter. Criteria: ICSL Variant Classification Criteria 13 December 2019. Collection method: clinical testing. Allele origin: germline.

Illumina Laboratory Services, Illumina
Classification: Likely benign for Gastrointestinal stromal tumor. Last evaluated: 2018-01-12. Review status: criteria provided, single submitter. Criteria: ICSL Variant Classification Criteria 13 December 2019. Collection method: clinical testing. Allele origin: germline.
Comment: This variant was observed in the ICSL laboratory as part of a predisposition screen in an ostensibly healthy population. It had not been previously curated by ICSL or reported in the Human Gene Mutation Database (HGMD: prior to June 1st, 2018), and was therefore a candidate for classification through an automated scoring system. Utilizing variant allele frequency, disease prevalence and penetrance estimates, and inheritance mode, an automated score was calculated to assess if this variant is too frequent to cause the disease. Based on the score and internal cut-off values, a variant classified as likely benign is not then subjected to further curation. The score for this variant resulted in a classification of likely benign for this disease.

Illumina Laboratory Services, Illumina
Classification: Benign for Cutaneous mastocytosis. Last evaluated: 2018-01-12. Review status: criteria provided, single submitter. Criteria: ICSL Variant Classification Criteria 13 December 2019. Collection method: clinical testing. Allele origin: germline.
Comment: This variant was observed in the ICSL laboratory as part of a predisposition screen in an ostensibly healthy population. It had not been previously curated by ICSL or reported in the Human Gene Mutation Database (HGMD: prior to June 1st, 2018), and was therefore a candidate for classification through an automated scoring system. Utilizing variant allele frequency, disease prevalence and penetrance estimates, and inheritance mode, an automated score was calculated to assess if this variant is too frequent to cause the disease. Based on the score and internal cut-off values, a variant classified as benign is not then subjected to further curation. The score for this variant resulted in a classification of benign for this disease.

Juno Genomics, Hangzhou Juno Genomics, Inc
Classification: Uncertain significance for Gastrointestinal stromal tumor; Germ cell tumor of testis; Acute myeloid leukemia; Cutaneous mastocytosis; Piebaldism. Review status: criteria provided, single submitter. Criteria: ACMG Guidelines, 2015. Collection method: clinical testing. Allele origin: germline.
Comment: Missense variant in a gene that has a low rate of benign missense variation.

Biesecker Lab/Clinical Genomics Section, National Institutes of Health
Classification: Uncertain significance. Last evaluated: 2012-07-13. Review status: no assertion criteria provided. Collection method: research. Allele origin: germline. Affected: no. Observed: 1 variant allele. Study: ClinSeq. Not counted in ClinVar's aggregate classification.
ClinVar note: Converted during submission from variant of unknown significance to Uncertain significance.

Laboratory of Molecular Epidemiology of Birth Defects, West China Second University Hospital, Sichuan University
Classification: Likely pathogenic for Ovarian cancer. Last evaluated: 2022-01-01. Review status: flagged submission. Criteria: ACMG Guidelines, 2015. Collection method: clinical testing. Allele origin: germline. Affected: yes. Not counted in ClinVar's aggregate classification.
ClinVar note: Reason: Outlier claim with insufficient supporting evidence

NM_000222.3(KIT):c.910A>G (p.Thr304Ala)

Gene: KIT (KIT proto-oncogene, receptor tyrosine kinase; plus strand). Cytogenetic location: 4q12.
Variant type: single nucleotide variant.
Coding change: c.910A>G on transcript NM_000222.3 (MANE Select); coding-DNA position 910, A replaced by G.
Protein change: p.Thr304Ala; replaces threonine 304 with alanine.
Molecular consequence: missense variant.
Genome position (GRCh38, 1-based): chr4:54,703,877, A>G. VCF-style: chr4-54703877-A-G. GRCh37 (hg19) VCF-style: chr4-55570043-A-G.
Other names: c.910A>G, p.Thr304Ala (NM_001093772.2, NM_001385285.1, NM_001385286.1); c.913A>G, p.Thr305Ala (NM_001385284.1, NM_001385288.1, NM_001385290.1 and 1 more transcripts); short protein forms T304A, T305A.
Identifiers: ClinVar variation 41606 (VCV000041606.27), dbSNP rs202052259, ClinGen allele CA215605.